The following is an entry in ClinVar:

NM_004006.3(DMD):c.1603-1G>A

Gene: DMD (dystrophin; minus strand). Cytogenetic location: Xp21.1.
Variant type: single nucleotide variant.
Coding change: c.1603-1G>A on transcript NM_004006.3 (MANE Select); the canonical splice acceptor site of the intron before coding-DNA position 1603, G replaced by A.
Molecular consequence: splice acceptor variant.
Genome position (GRCh38, 1-based): chrX:32,573,847, C>T on the plus strand (G>A on the coding strand, the complement: DMD is on the minus strand). VCF-style: chrX-32573847-C-T. GRCh37 (hg19) VCF-style: chrX-32591964-C-T.
Other names: NC_000023.10:g.32591964C>T; c.1579-1G>A (NM_000109.4); c.1591-1G>A (NM_004009.3); c.1234-1G>A (NM_004010.3).
Identifiers: ClinVar variation 4066335 (VCV004066335.3), dbSNP rs2149139061.

ClinVar aggregate classification (germline): Likely pathogenic (1 of 4 stars; one submission).

Conditions:
Becker muscular dystrophy, Cardiomyopathy, Duchenne muscular dystrophy, Dystrophin deficiency.

Submissions (2):

Natera, Inc.
Classification: Likely pathogenic for Becker muscular dystrophy, Cardiomyopathy, Duchenne muscular dystrophy, Dystrophin deficiency. Last evaluated: 2025-03-05. Review status: criteria provided, single submitter. Criteria: Natera Variant Classification Schema (03/2026). Collection method: clinical testing. Allele origin: germline.
Comment: The c.1603-1G>A variant in DMD is a canonical splice acceptor site variant predicted to affect pre-mRNA splicing, which may result in an abnormal transcript and altered protein product. This variant may result in a truncated or dysfunctional protein product. This variant is rare in the general population with a frequency below the threshold expected for the associated phenotype(s). This variant has been observed in affected individual(s) with monoallelic occurrence (heterozygous/hemizygous) (PMID: 16834926). Another variant at this same site results in an alteration predicted to cause a similar molecular effect has been observed in individual(s) with the associated phenotype. Given the available evidence, this variant is classified as Likely Pathogenic.

Dr. Peter K. Rogan Lab, Western University
No classification provided (evidence only). Condition: Nonpapillary renal cell carcinoma. Review status: no classification provided. Collection method: in vitro. Allele origin: not applicable. Functional consequence: retained intron. Not counted in ClinVar's aggregate classification.

Literature cited by the submitters: PubMed 16834926 (cited by Natera, Inc.).